The following is an entry in ClinVar:

ClinVar aggregate classification (germline): Uncertain significance (1 of 4 stars; one submission).

Submission:

Labcorp Genetics (formerly Invitae), Labcorp
Classification: Uncertain significance. Last evaluated: 2024-11-05. Review status: criteria provided, single submitter. Criteria: Invitae Variant Classification Sherloc (09022015). Collection method: clinical testing. Allele origin: germline.
Comment: This sequence change replaces methionine, which is neutral and non-polar, with threonine, which is neutral and polar, at codon 732 of the PLOD3 protein (p.Met732Thr). This variant is not present in population databases (gnomAD no frequency). This variant has not been reported in the literature in individuals affected with PLOD3-related conditions. Invitae Evidence Modeling of protein sequence and biophysical properties (such as structural, functional, and spatial information, amino acid conservation, physicochemical variation, residue mobility, and thermodynamic stability) has been performed for this missense variant. However, the output from this modeling did not meet the statistical confidence thresholds required to predict the impact of this variant on PLOD3 protein function. In summary, the available evidence is currently insufficient to determine the role of this variant in disease. Therefore, it has been classified as a Variant of Uncertain Significance.

NM_001084.5(PLOD3):c.2195T>C (p.Met732Thr)

Gene: PLOD3 (procollagen-lysine,2-oxoglutarate 5-dioxygenase 3; minus strand). Cytogenetic location: 7q22.1.
Variant type: single nucleotide variant.
Coding change: c.2195T>C on transcript NM_001084.5 (MANE Select); coding-DNA position 2195, T replaced by C.
Protein change: p.Met732Thr; replaces methionine 732 with threonine.
Molecular consequence: missense variant.
Genome position (GRCh38, 1-based): chr7:101,206,303, A>G on the plus strand (T>C on the coding strand, the complement: PLOD3 is on the minus strand). VCF-style: chr7-101206303-A-G. GRCh37 (hg19) VCF-style: chr7-100849584-A-G.
Other names: short protein forms M732T.
Identifiers: ClinVar variation 3686386 (VCV003686386.2).